The following is an entry in ClinVar:

ClinVar aggregate classification (germline): Uncertain significance (1 of 4 stars; one submission).

Conditions:
Dyskeratosis congenita, autosomal dominant 2. Identifiers: MedGen C3151443, MONDO:0013521, OMIM 613989.
Idiopathic Pulmonary Fibrosis. Also called: Idiopathic fibrosing alveolitis, chronic form; idiopathic fibrosing alveolitis. Identifiers: Orphanet 2032, MedGen C1800706, MeSH D054990, MONDO:0800504.

gnomAD v4.1: 1 of 1,585,338 alleles (0.000063%); highest among the groups gnomAD compares: Non-Finnish European, 0.000086%; no homozygotes.

Submission:

Labcorp Genetics (formerly Invitae), Labcorp
Classification: Uncertain significance for Dyskeratosis congenita, autosomal dominant 2; Idiopathic Pulmonary Fibrosis. Last evaluated: 2022-11-24. Review status: criteria provided, single submitter. Criteria: Invitae Variant Classification Sherloc (09022015). Collection method: clinical testing. Allele origin: germline.
Comment: This sequence change replaces proline, which is neutral and non-polar, with glutamine, which is neutral and polar, at codon 259 of the TERT protein (p.Pro259Gln). This variant is not present in population databases (gnomAD no frequency). This variant has not been reported in the literature in individuals affected with TERT-related conditions. Algorithms developed to predict the effect of missense changes on protein structure and function output the following: SIFT: "Tolerated"; PolyPhen-2: "Benign"; Align-GVGD: "Class C0". The glutamine amino acid residue is found in multiple mammalian species, which suggests that this missense change does not adversely affect protein function. In summary, the available evidence is currently insufficient to determine the role of this variant in disease. Therefore, it has been classified as a Variant of Uncertain Significance.

NM_198253.3(TERT):c.776C>A (p.Pro259Gln)

Gene: TERT (telomerase reverse transcriptase; minus strand). Cytogenetic location: 5p15.33.
Variant type: single nucleotide variant.
Coding change: c.776C>A on transcript NM_198253.3 (MANE Select); coding-DNA position 776, C replaced by A.
Protein change: p.Pro259Gln; replaces proline 259 with glutamine.
Molecular consequence: missense variant. On other transcripts: non-coding transcript variant (2).
Genome position (GRCh38, 1-based): chr5:1,294,110, G>T on the plus strand (C>A on the coding strand, the complement: TERT is on the minus strand). VCF-style: chr5-1294110-G-T. GRCh37 (hg19) VCF-style: chr5-1294225-G-T.
Other names: c.776C>A, p.Pro259Gln (NM_001193376.3, NM_003219.1); short protein forms P259Q.
Identifiers: ClinVar variation 2941813 (VCV002941813.3), dbSNP rs775613951, ClinGen allele CA359056843.
Genomic context (GRCh38, chr5:1,294,110, plus strand): 5'-GCGGGTCTGGCAGGTGACACCACACAGAAACCACGGTCACTCGGTCCACGCGTCCTGCCC[G>T]GGTGGGCCCAGGACCCCTGCCCAACGGGCGTCCGCTCCGGCTCAGGGGCAGCGCCACGCC-3'
Protein context (NP_937983.2, residues 249-269): TPVGQGSWAH[Pro259Gln]GRTRGPSDRG